The following is an entry in ClinVar:

NM_004204.5(PIGQ):c.1462G>A (p.Val488Met)

Gene: PIGQ (phosphatidylinositol glycan anchor biosynthesis class Q; plus strand). Cytogenetic location: 16p13.3.
Variant type: single nucleotide variant.
Coding change: c.1462G>A on transcript NM_004204.5 (MANE Select); coding-DNA position 1462, G replaced by A.
Protein change: p.Val488Met; replaces valine 488 with methionine.
Molecular consequence: missense variant.
Genome position (GRCh38, 1-based): chr16:580,903, G>A. VCF-style: chr16-580903-G-A. GRCh37 (hg19) VCF-style: chr16-630903-G-A.
Other names: c.1462G>A (NM_148920.1); c.1462G>A, p.Val488Met (NM_148920.4); short protein forms V488M.
Identifiers: ClinVar variation 935143 (VCV000935143.10), dbSNP rs1206255851, ClinGen allele CA394059156.

ClinVar aggregate classification (germline): Uncertain significance. Review status: criteria provided, multiple submitters, no conflicts (2 of 4 stars). 2 submissions from 2 submitters: Uncertain significance (2). Last evaluated 2025-08-28.

Conditions:
Epilepsy. Also called: Seizure disorder. Identifiers: MedGen C0014544, MeSH D004827, MONDO:0005027.
Inborn genetic diseases. Identifiers: MedGen C0950123, MeSH D030342.

Allele frequency attached by ClinVar (database versions not stated): TOPMed below 0.00001; gnomAD 0.00001; gnomAD exomes below 0.00001.

Submissions (2):

Ambry Genetics
Classification: Uncertain significance for Inborn genetic diseases. Last evaluated: 2025-08-28. Review status: criteria provided, single submitter. Criteria: Ambry Variant Classification Scheme 2023. Collection method: clinical testing. Allele origin: germline.

Labcorp Genetics (formerly Invitae), Labcorp
Classification: Uncertain significance for Epilepsy. Last evaluated: 2019-10-03. Review status: criteria provided, single submitter. Criteria: Invitae Variant Classification Sherloc (09022015). Collection method: clinical testing. Allele origin: germline.
Comment: Algorithms developed to predict the effect of missense changes on protein structure and function output the following: SIFT: "Tolerated"; PolyPhen-2: "Benign"; Align-GVGD: "Class C0". The methionine amino acid residue is found in multiple mammalian species, suggesting that this missense change does not adversely affect protein function. These predictions have not been confirmed by published functional studies and their clinical significance is uncertain. In summary, the available evidence is currently insufficient to determine the role of this variant in disease. Therefore, it has been classified as a Variant of Uncertain Significance. This variant is not present in population databases (ExAC no frequency). This variant has not been reported in the literature in individuals with PIGQ-related conditions. This sequence change replaces valine with methionine at codon 488 of the PIGQ protein (p.Val488Met). The valine residue is moderately conserved and there is a small physicochemical difference between valine and methionine.